The following is an entry in ClinVar:

NM_001170629.2(CHD8):c.158G>C (p.Gly53Ala)

Gene: CHD8 (chromodomain helicase DNA binding protein 8; minus strand). Cytogenetic location: 14q11.2.
Variant type: single nucleotide variant.
Coding change: c.158G>C on transcript NM_001170629.2 (MANE Select); coding-DNA position 158, G replaced by C.
Protein change: p.Gly53Ala; replaces glycine 53 with alanine.
Molecular consequence: missense variant. On other transcripts: intron variant (1).
Genome position (GRCh38, 1-based): chr14:21,431,486, C>G on the plus strand (G>C on the coding strand, the complement: CHD8 is on the minus strand). VCF-style: chr14-21431486-C-G. GRCh37 (hg19) VCF-style: chr14-21899645-C-G.
Other names: c.6+325G>C (NM_020920.4); short protein forms G53A.
Identifiers: ClinVar variation 2228912 (VCV002228912.2), dbSNP rs2502016682, ClinGen allele CA388890722.

ClinVar aggregate classification (germline): Uncertain significance (1 of 4 stars; one submission).

Conditions:
Inborn genetic diseases. Identifiers: MedGen C0950123, MeSH D030342.

Submission:

Ambry Genetics
Classification: Uncertain significance for Inborn genetic diseases. Last evaluated: 2020-12-23. Review status: criteria provided, single submitter. Criteria: Ambry Variant Classification Scheme 2023. Collection method: clinical testing. Allele origin: germline.
Comment: The c.158G>C (p.G53A) alteration is located in exon 1 (coding exon 1) of the CHD8 gene. This alteration results from a G to C substitution at nucleotide position 158, causing the glycine (G) at amino acid position 53 to be replaced by an alanine (A). The p.G53A alteration is predicted to be tolerated by in silico analysis. Based on insufficient or conflicting evidence, the clinical significance of this alteration remains unclear.